The following is an entry in ClinVar:

NM_000053.4(ATP7B):c.2353A>C (p.Lys785Gln)

Gene: ATP7B (ATPase copper transporting beta; minus strand). Cytogenetic location: 13q14.3.
Variant type: single nucleotide variant.
Coding change: c.2353A>C on transcript NM_000053.4 (MANE Select); coding-DNA position 2353, A replaced by C.
Protein change: p.Lys785Gln; replaces lysine 785 with glutamine.
Molecular consequence: missense variant. On other transcripts: intron variant (14).
Genome position (GRCh38, 1-based): chr13:51,958,313, T>G on the plus strand (A>C on the coding strand, the complement: ATP7B is on the minus strand). VCF-style: chr13-51958313-T-G. GRCh37 (hg19) VCF-style: chr13-52532449-T-G.
Other names: c.2353A>C, p.Lys785Gln (NM_001406519.1, NM_001406523.1, NM_001406525.1 and 7 more transcripts); c.2209A>C, p.Lys737Gln (NM_001406520.1, NM_001406521.1, NM_001406522.1 and 1 more transcripts); c.2176A>C, p.Lys726Gln (NM_001406524.1); c.2113A>C, p.Lys705Gln (NM_001406530.1); c.1708-706A>C (NM_001406547.1, NM_001406545.1); c.1870-706A>C (NM_001005918.3, NM_001406546.1, NM_001406542.1 and 1 more transcripts); c.2122-706A>C (NM_001406534.1, NM_001406538.1, NM_001330578.2 and 2 more transcripts); c.1774-706A>C (NM_001406544.1); and 8 more; short protein forms K642Q, K669Q, K674Q, K701Q, K705Q, K726Q, K737Q, K753Q.
Identifiers: ClinVar variation 3075613 (VCV003075613.1), dbSNP rs1401316962, ClinGen allele CA388020445.

ClinVar aggregate classification (germline): Uncertain significance (1 of 4 stars; one submission).

Conditions:
Wilson disease (WND). Also called: Wilson's disease. Identifiers: Orphanet 905, MedGen C0019202, MONDO:0010200, OMIM 277900. Disease mechanism: loss of function.

gnomAD v4.1: 5 of 1,614,170 alleles (0.00031%); highest among the groups gnomAD compares: African/African-American, 0.0013%; no homozygotes.

Submission:

All of Us Research Program, National Institutes of Health
Classification: Uncertain significance for Wilson disease. Last evaluated: 2023-06-08. Review status: criteria provided, single submitter. Criteria: ACMG Guidelines, 2015. Collection method: clinical testing. Allele origin: germline. Inheritance: Autosomal recessive inheritance. Observed: 2 variant alleles, 2 heterozygotes.
Comment: This missense variant replaces lysine with glutamine at codon 785 of the ATP7B protein. Computational prediction suggests that this variant may have deleterious impact on protein structure and function (internally defined REVEL score threshold >= 0.7, PMID: 27666373). To our knowledge, functional studies have not been reported for this variant. This variant has not been reported in individuals affected with Wilson disease in the literature. This variant has been identified in 1/249230 chromosomes in the general population by the Genome Aggregation Database (gnomAD). The available evidence is insufficient to determine the role of this variant in disease conclusively. Therefore, this variant is classified as a Variant of Uncertain Significance.

This study involves interpretation of variants in research participants for the purpose of population health screening. Participant phenotype was not available at the time of variant classification. Additional details can be found in publication PMID: 35346344, PMCID: PMC8962531